The following is an entry in ClinVar:

ClinVar aggregate classification (germline): Uncertain significance (1 of 4 stars; one submission).

gnomAD v4.1: 1 of 1,610,542 alleles (0.000062%); highest among the groups gnomAD compares: Non-Finnish European, 0.000085%; no homozygotes.

Submission:

Labcorp Genetics (formerly Invitae), Labcorp
Classification: Uncertain significance. Last evaluated: 2025-12-01. Review status: criteria provided, single submitter. Criteria: Invitae Variant Classification Sherloc (09022015). Collection method: clinical testing. Allele origin: germline.
Comment: This sequence change replaces glycine, which is neutral and non-polar, with arginine, which is basic and polar, at codon 649 of the DCHS1 protein (p.Gly649Arg). This variant is not present in population databases (gnomAD no frequency). This variant has not been reported in the literature in individuals affected with DCHS1-related conditions. ClinVar contains an entry for this variant (Variation ID: 2783047). Invitae Evidence Modeling of protein sequence and biophysical properties (such as structural, functional, and spatial information, amino acid conservation, physicochemical variation, residue mobility, and thermodynamic stability) indicates that this missense variant is not expected to disrupt DCHS1 protein function with a negative predictive value of 95%. In summary, the available evidence is currently insufficient to determine the role of this variant in disease. Therefore, it has been classified as a Variant of Uncertain Significance.

NM_003737.4(DCHS1):c.1945G>A (p.Gly649Arg)

Gene: DCHS1 (dachsous cadherin-related 1; minus strand). Cytogenetic location: 11p15.4.
Variant type: single nucleotide variant.
Coding change: c.1945G>A on transcript NM_003737.4 (MANE Select); coding-DNA position 1945, G replaced by A.
Protein change: p.Gly649Arg; replaces glycine 649 with arginine.
Molecular consequence: missense variant.
Genome position (GRCh38, 1-based): chr11:6,634,159, C>T on the plus strand (G>A on the coding strand, the complement: DCHS1 is on the minus strand). VCF-style: chr11-6634159-C-T. GRCh37 (hg19) VCF-style: chr11-6655390-C-T.
Other names: short protein forms G649R.
Identifiers: ClinVar variation 2783047 (VCV002783047.3), dbSNP rs2493833023, ClinGen allele CA379425397.